The following is an entry in ClinVar:

NM_006494.4(ERF):c.879del (p.Ser295fs)

Gene: ERF (ETS2 repressor factor; minus strand). Cytogenetic location: 19q13.2.
Variant type: Deletion.
Coding change: c.879del on transcript NM_006494.4 (MANE Select); coding-DNA position 879, one base deleted (G; older notation c.879delG).
Protein change: p.Ser295fs; shifts the reading frame from serine 295.
Molecular consequence: frameshift variant.
Genome position (GRCh38, 1-based): chr19:42,249,233, C deleted on the plus strand (G on the coding strand, the reverse complement: ERF is on the minus strand); the first of 6 consecutive C bases (chr19:42,249,233-42,249,238); deleting any one gives the same sequence. VCF-style (leftmost placement, unchanged base first): chr19-42249232-GC-G. GRCh37 (hg19) VCF-style: chr19-42753384-GC-G.
Other names: c.654del, p.Ser220fs (NM_001301035.2, NM_001308402.2, NM_001312656.2); short protein forms S220fs, S295fs.
Identifiers: ClinVar variation 445429 (VCV000445429.4), dbSNP rs1555750642, ClinGen allele CA658653857.
Genomic context (GRCh38, chr19:42,249,232, plus strand): 5'-GGTACCGTTTCATGTCCTCAGGGCTGAAGGAGAAGTGGGAGCCTCCCCCTGAGCCGCTGG[GC>G]CCCCCGCCACCACTGGGGTACATCGGGCTCAGCGTGGGCGAGGGAGTGTAGGCCAGGTGG-3'

ClinVar aggregate classification (germline): Conflicting classifications of pathogenicity. Review status: criteria provided, conflicting classifications (1 of 4 stars). 2 submissions from 2 submitters: Likely pathogenic (1); Uncertain significance (1). Last evaluated 2017-07-19.

Conditions:
Craniosynostosis 4 (CRS4). Identifiers: MedGen C3806917, MONDO:0010929, OMIM 600775.
Chitayat syndrome (CHYTS). Identifiers: MedGen C4310679, MONDO:0014956, OMIM 617180.

Submissions (2):

Center for Pediatric Genomic Medicine, Children's Mercy Hospital and Clinics
Classification: Likely pathogenic. Last evaluated: 2017-07-19. Review status: criteria provided, single submitter. Criteria: ACMG Guidelines, 2015. Collection method: clinical testing. Allele origin: germline.

Juno Genomics, Hangzhou Juno Genomics, Inc
Classification: Uncertain significance for Chitayat syndrome; Craniosynostosis 4. Review status: criteria provided, single submitter. Criteria: ACMG Guidelines, 2015. Collection method: clinical testing. Allele origin: germline.
Comment: Absent from controls (or at extremely low frequency if recessive) in Genome Aggregation Database.;Null variant in a gene where loss of function (LOF) is a known mechanism of disease.